The following is an entry in ClinVar:

NM_004082.5(DCTN1):c.3212-10G>A

Gene: DCTN1 (dynactin subunit 1; minus strand). Cytogenetic location: 2p13.1.
Variant type: single nucleotide variant.
Coding change: c.3212-10G>A on transcript NM_004082.5 (MANE Select); 10 bases into the intron before coding-DNA position 3212, G replaced by A.
Molecular consequence: intron variant.
Genome position (GRCh38, 1-based): chr2:74,363,437, C>T on the plus strand (G>A on the coding strand, the complement: DCTN1 is on the minus strand). VCF-style: chr2-74363437-C-T. GRCh37 (hg19) VCF-style: chr2-74590564-C-T.
Other names: c.3086-10G>A (NM_001190836.2); c.3143-10G>A (NM_001378992.1); c.3161-10G>A (NM_001378991.1); c.3137-10G>A (NM_001135040.3); c.3191-10G>A (NM_001190837.2); c.2795-10G>A (NM_001135041.3); c.2810-10G>A (NM_023019.4).
Identifiers: ClinVar variation 705947 (VCV000705947.20), dbSNP rs201516838, ClinGen allele CA1721545.
Genomic context (GRCh38, chr2:74,363,437, plus strand): 5'-TCACCAGCCCTGGGCCTGGCACAGACCCTGGAGCCTGCCCAGGGATGGCTCCTGTGGGGA[C>T]CATAAAAAATCTCATCAGCCCCAAGTGGAAAGGGTTGAAAATTGGGCTCCATTCCTACTC-3'

ClinVar aggregate classification (germline): Likely benign. Review status: criteria provided, multiple submitters, no conflicts (2 of 4 stars). 3 submissions from 3 submitters: Likely benign (2). 1 of the submissions does not count toward it. Last evaluated 2025-10-23.

Conditions:
DCTN1-related disorder. Also called: DCTN1-related condition.
Perry syndrome. Also called: PARKINSONISM WITH ALVEOLAR HYPOVENTILATION AND MENTAL DEPRESSION. Identifiers: Orphanet 178509, MedGen C1868594, MONDO:0008201, OMIM 168605.
Neuronopathy, distal hereditary motor, type 7B. Also called: NEURONOPATHY, DISTAL HEREDITARY MOTOR, AUTOSOMAL DOMINANT 14; NEURONOPATHY, DISTAL HEREDITARY MOTOR, HARDING TYPE VIIB; NEUROPATHY, DISTAL HEREDITARY MOTOR, HARDING TYPE VIIB; NEUROPATHY, DISTAL HEREDITARY MOTOR, WITH VOCAL CORD PARALYSIS, HARDING TYPE VIIB; HMN VIIB; LOWER MOTOR NEURON DISEASE, DYNACTIN TYPE. Identifiers: Orphanet 139589, MedGen C1843315, MONDO:0011879, OMIM 607641.
Amyotrophic lateral sclerosis type 1 (ALS1). Also called: AMYOTROPHIC LATERAL SCLEROSIS 1, FAMILIAL. Identifiers: Orphanet 803, MedGen C1862939, MONDO:0007103, OMIM 105400.

Allele frequency attached by ClinVar (database versions not stated): TOPMed 0.00008; gnomAD exomes 0.00009 and 0.00045; ExAC 0.00010; gnomAD 0.00010; 1000 Genomes Project 30x 0.00016; 1000 Genomes Project 0.00020; ESP Exome Variant Server 0.00023.
gnomAD v4.1: 651 of 1,611,716 alleles (0.04%); highest among the groups gnomAD compares: Non-Finnish European, 0.054%; no homozygotes.

Submissions (3):

Labcorp Genetics (formerly Invitae), Labcorp
Classification: Likely benign for Amyotrophic lateral sclerosis type 1; Neuronopathy, distal hereditary motor, type 7B; Perry syndrome. Last evaluated: 2025-10-23. Review status: criteria provided, single submitter. Criteria: Invitae Variant Classification Sherloc (09022015). Collection method: clinical testing. Allele origin: germline.

ARUP Laboratories, Molecular Genetics and Genomics, ARUP Laboratories
Classification: Likely benign. Last evaluated: 2020-03-13. Review status: criteria provided, single submitter. Criteria: ARUP Molecular Germline Variant Investigation Process. Collection method: clinical testing. Allele origin: germline.

PreventionGenetics, part of Exact Sciences
Classification: Likely benign for DCTN1-related condition. Last evaluated: 2024-09-03. Review status: no assertion criteria provided. Collection method: clinical testing. Allele origin: germline. Not counted in ClinVar's aggregate classification.
Comment: This variant is classified as likely benign based on ACMG/AMP sequence variant interpretation guidelines (Richards et al. 2015 PMID: 25741868, with internal and published modifications).